The following is an entry in ClinVar:

NM_003193.5(TBCE):c.1464_1475delinsACTTTGGA (p.Asp488fs)

Genes: B3GALNT2 (beta-1,3-N-acetylgalactosaminyltransferase 2; minus strand), TBCE (tubulin folding cofactor E; plus strand). Cytogenetic location: 1q42.3.
Variant type: Indel.
Coding change: c.1464_1475delinsACTTTGGA on transcript NM_003193.5 (MANE Select); coding-DNA positions 1464 to 1475, CCTTCTGTTGTC replaced by ACTTTGGA.
Protein change: p.Asp488fs; shifts the reading frame from aspartic acid 488.
Molecular consequence: frameshift variant. On other transcripts: 3 prime UTR variant (1).
Genome position (GRCh38, 1-based): chr1:235,448,413-235,448,424, CCTTCTGTTGTC replaced by ACTTTGGA. VCF-style: chr1-235448413-CCTTCTGTTGTC-ACTTTGGA. GRCh37 (hg19) VCF-style: chr1-235611728-CCTTCTGTTGTC-ACTTTGGA.
Other names: c.*1782_*1793delinsTCCAAAGT (NM_152490.5); c.1464_1475delinsACTTTGGA, p.Asp488fs (NM_001079515.3); c.1617_1628delinsACTTTGGA, p.Asp539fs (NM_001287801.2); c.1125_1136delinsACTTTGGA, p.Asp375fs (NM_001287802.2); short protein forms D375fs, D488fs, D539fs.
Identifiers: ClinVar variation 3384772 (VCV003384772.1).

ClinVar aggregate classification (germline): Uncertain significance (1 of 4 stars; one submission).

Submission:

Women's Health and Genetics/Laboratory Corporation of America, LabCorp
Classification: Uncertain significance. Last evaluated: 2024-10-10. Review status: criteria provided, single submitter. Criteria: LabCorp Variant Classification Summary - May 2015. Collection method: clinical testing. Allele origin: germline.
Comment: Variant summary: TBCE c.1464_1475delinsACTTTGGA (p.Asp488GlufsX21) results in a premature termination codon, predicted to cause a truncation of the encoded protein or absence of the protein due to nonsense mediated decay, which are commonly known mechanisms for disease. The variant was absent in 1614104 control chromosomes. The available data on variant occurrences in the general population are insufficient to allow any conclusion about variant significance. To our knowledge, no occurrence of c.1464_1475delinsACTTTGGA in individuals affected with TBCE-Related Disorder and no experimental evidence demonstrating its impact on protein function have been reported. No submitters have cited clinical-significance assessments for this variant to ClinVar. Based on the evidence outlined above, the variant was classified as uncertain significance.